The following is an entry in ClinVar:

NM_001174089.2(SLC4A11):c.1041T>C (p.Asp347=)

Gene: SLC4A11 (solute carrier family 4 member 11; minus strand). Cytogenetic location: 20p13.
Variant type: single nucleotide variant.
Coding change: c.1041T>C on transcript NM_001174089.2 (MANE Select); coding-DNA position 1041, T replaced by C.
Protein change: p.Asp347=; no amino-acid change (aspartic acid 347 retained).
Molecular consequence: synonymous variant. On other transcripts: non-coding transcript variant (3).
Genome position (GRCh38, 1-based): chr20:3,231,150, A>G on the plus strand (T>C on the coding strand, the complement: SLC4A11 is on the minus strand). VCF-style: chr20-3231150-A-G. GRCh37 (hg19) VCF-style: chr20-3211796-A-G.
Other names: c.1170T>C, p.Asp390= (NM_001174090.2, NM_001400280.1); c.1041T>C, p.Asp347= (NM_001363745.2); c.984T>C, p.Asp328= (NM_001400277.1, NM_001400278.1, NM_001400279.1); c.1089T>C, p.Asp363= (NM_032034.4).
Identifiers: ClinVar variation 2141324 (VCV002141324.3), dbSNP rs199570969, ClinGen allele CA9742031.
Genomic context (GRCh38, chr20:3,231,150, plus strand): 5'-TGGGGATGCAGGACAGGCACACGTGTGGGCCCAAGGCCTGGAAAGCAGAGGCCACGTACC[A>G]TCAGTGAAGTCCAAGGGGTACAAGGGGAACCTGCGTGCGATGTCCTCCCGGATGCCCTTC-3'
Protein context (NP_001167560.1, residues 337-357): RFPLYPLDFT[Asp347=]GIIGKNKAVG

ClinVar aggregate classification (germline): Conflicting classifications of pathogenicity. Review status: criteria provided, conflicting classifications (1 of 4 stars). 3 submissions from 3 submitters: Uncertain significance (2); Likely benign (1). Last evaluated 2025-11-03.

Allele frequency attached by ClinVar (database versions not stated): ExAC 0.00002; gnomAD exomes 0.00003; gnomAD 0.00004; TOPMed 0.00004; 1000 Genomes Project 30x 0.00016; 1000 Genomes Project 0.00020.
gnomAD v4.1: 64 of 1,614,160 alleles (0.004%); highest among the groups gnomAD compares: Middle Eastern, 0.099%; 1 homozygote.

Submissions (3):

Women's Health and Genetics/Laboratory Corporation of America, LabCorp
Classification: Uncertain significance. Last evaluated: 2025-11-03. Review status: criteria provided, single submitter. Criteria: LabCorp Variant Classification Summary - May 2015. Collection method: clinical testing. Allele origin: germline.
Comment: Variant summary: SLC4A11 c.1089T>C (p.Asp363Asp) alters a conserved nucleotide located close to a canonical splice site and therefore could affect mRNA splicing, leading to a significantly altered protein sequence. Consensus agreement among computation tools predict no significant impact on normal splicing. However, these predictions have yet to be confirmed by functional studies. The variant allele was found at a frequency of 2.4e-05 in 251460 control chromosomes. The available data on variant occurrences in the general population are insufficient to allow any conclusion about variant significance. To our knowledge, no occurrence of c.1089T>C in individuals affected with SLC4A11-related conditions and no experimental evidence demonstrating its impact on protein function have been reported. ClinVar contains an entry for this variant (Variation ID: 2141324). Based on the evidence outlined above, the variant was classified as uncertain significance.

Blueprint Genetics
Classification: Likely benign. Last evaluated: 2024-09-13. Review status: criteria provided, single submitter. Criteria: ACMG Guidelines, 2015. Collection method: clinical testing. Allele origin: germline.

Labcorp Genetics (formerly Invitae), Labcorp
Classification: Uncertain significance. Last evaluated: 2022-04-04. Review status: criteria provided, single submitter. Criteria: Invitae Variant Classification Sherloc (09022015). Collection method: clinical testing. Allele origin: germline.
Comment: This sequence change affects codon 363 of the SLC4A11 mRNA. It is a 'silent' change, meaning that it does not change the encoded amino acid sequence of the SLC4A11 protein. It affects a nucleotide within the consensus splice site. This variant is present in population databases (rs199570969, gnomAD 0.01%). This variant has not been reported in the literature in individuals affected with SLC4A11-related conditions. Algorithms developed to predict the effect of sequence changes on RNA splicing suggest that this variant is not likely to affect RNA splicing. In summary, the available evidence is currently insufficient to determine the role of this variant in disease. Therefore, it has been classified as a Variant of Uncertain Significance.